The following is an entry in ClinVar:

ClinVar aggregate classification (germline): Uncertain significance. Review status: criteria provided, multiple submitters, no conflicts (2 of 4 stars). 2 submissions from 2 submitters: Uncertain significance (2). Last evaluated 2025-03-24.

Conditions:
Inborn genetic diseases. Identifiers: MedGen C0950123, MeSH D030342.

Allele frequency attached by ClinVar (database versions not stated): gnomAD 0.00001; TOPMed 0.00001; 1000 Genomes Project 30x 0.00031.
gnomAD v4.1: 2 of 1,461,394 alleles (0.00014%); highest among the groups gnomAD compares: Admixed American, 0.0028%; no homozygotes.

Submissions (2):

Ambry Genetics
Classification: Uncertain significance for Inborn genetic diseases. Last evaluated: 2025-03-24. Review status: criteria provided, single submitter. Criteria: Ambry Variant Classification Scheme 2023. Collection method: clinical testing. Allele origin: germline.

Labcorp Genetics (formerly Invitae), Labcorp
Classification: Uncertain significance. Last evaluated: 2022-08-16. Review status: criteria provided, single submitter. Criteria: Invitae Variant Classification Sherloc (09022015). Collection method: clinical testing. Allele origin: germline.
Comment: This sequence change replaces leucine, which is neutral and non-polar, with valine, which is neutral and non-polar, at codon 10 of the LONP1 protein (p.Leu10Val). This variant is not present in population databases (gnomAD no frequency). This variant has not been reported in the literature in individuals affected with LONP1-related conditions. Algorithms developed to predict the effect of missense changes on protein structure and function are either unavailable or do not agree on the potential impact of this missense change (SIFT: "Tolerated"; PolyPhen-2: "Probably Damaging"; Align-GVGD: "Class C0"). In summary, the available evidence is currently insufficient to determine the role of this variant in disease. Therefore, it has been classified as a Variant of Uncertain Significance.

NM_004793.4(LONP1):c.28C>G (p.Leu10Val)

Gene: LONP1 (lon peptidase 1, mitochondrial; minus strand). Cytogenetic location: 19p13.3.
Variant type: single nucleotide variant.
Coding change: c.28C>G on transcript NM_004793.4 (MANE Select); coding-DNA position 28, C replaced by G.
Protein change: p.Leu10Val; replaces leucine 10 with valine.
Molecular consequence: missense variant. On other transcripts: non-coding transcript variant (1), intron variant (1).
Genome position (GRCh38, 1-based): chr19:5,720,105, G>C on the plus strand (C>G on the coding strand, the complement: LONP1 is on the minus strand). VCF-style: chr19-5720105-G-C. GRCh37 (hg19) VCF-style: chr19-5720116-G-C.
Other names: c.28C>G, p.Leu10Val (NM_001276479.2); c.-160+114C>G (NM_001276480.1); c.28C>G (NM_004793.2); short protein forms L10V.
Identifiers: ClinVar variation 1978511 (VCV001978511.5), dbSNP rs1485717925, ClinGen allele CA403544802.
Genomic context (GRCh38, chr19:5,720,105, plus strand): 5'-GCCCCCCGGCGGCGGCCAGCATCGGCCGCCGCAGCACCCAGCACCGCGCCGCTCCCCACA[G>C]TCGCACGTAGCCAGTGCTCGCCGCCATAGCCCGGCCATACTGGCGGCTCACACAACTCGC-3'
Protein context (NP_004784.2, residues 1-20): MAASTGYVR[Leu10Val]WGAARCWVLR